The following is an entry in ClinVar:

ClinVar aggregate classification (germline): Likely benign. Review status: criteria provided, single submitter (1 of 4 stars). 2 submissions from 2 submitters: Likely benign (1). 1 of the submissions does not count toward it. Last evaluated 2024-08-26.

Conditions:
TG-related disorder. Also called: TG-related disorders; TG-related condition.

Allele frequency attached by ClinVar (database versions not stated): gnomAD 0.00011; ExAC 0.00013; gnomAD exomes 0.00014; TOPMed 0.00014; 1000 Genomes Project 30x 0.00016; 1000 Genomes Project 0.00020; ESP Exome Variant Server 0.00038.
gnomAD v4.1: 211 of 1,614,160 alleles (0.013%); highest among the groups gnomAD compares: Middle Eastern, 0.033%; no homozygotes.

Submissions (2):

Labcorp Genetics (formerly Invitae), Labcorp
Classification: Likely benign. Last evaluated: 2024-08-26. Review status: criteria provided, single submitter. Criteria: Invitae Variant Classification Sherloc (09022015). Collection method: clinical testing. Allele origin: germline.

PreventionGenetics, part of Exact Sciences
Classification: Likely benign for TG-related condition. Last evaluated: 2022-03-09. Review status: no assertion criteria provided. Collection method: clinical testing. Allele origin: germline. Not counted in ClinVar's aggregate classification.
Comment: This variant is classified as likely benign based on ACMG/AMP sequence variant interpretation guidelines (Richards et al. 2015 PMID: 25741868, with internal and published modifications).

NM_003235.5(TG):c.4131G>T (p.Val1377=)

Gene: TG (thyroglobulin; plus strand). Cytogenetic location: 8q24.22.
Variant type: single nucleotide variant.
Coding change: c.4131G>T on transcript NM_003235.5 (MANE Select); coding-DNA position 4131, G replaced by T.
Protein change: p.Val1377=; no amino-acid change (valine 1377 retained).
Molecular consequence: synonymous variant.
Genome position (GRCh38, 1-based): chr8:132,911,505, G>T. VCF-style: chr8-132911505-G-T. GRCh37 (hg19) VCF-style: chr8-133923750-G-T.
Other names: c.4131G>T (NM_003235.4).
Identifiers: ClinVar variation 2701917 (VCV002701917.5), dbSNP rs114913251, ClinGen allele CA4884020.
Genomic context (GRCh38, chr8:132,911,505, plus strand): 5'-GACCAGGGAGCGTTTAGGAGTGAATGTTACATGGAAATCACGGCTTGAGGACATCCCAGT[G>T]GCTTCTCTTCCTGACTTACATGACATTGGTATGTTTTTCTGTGGTAGTACCTAGAATAAG-3'
Protein context (NP_003226.4, residues 1367-1387): TWKSRLEDIP[Val1377=]ASLPDLHDIE